The following is an entry in ClinVar:

ClinVar aggregate classification (germline): Benign. Review status: criteria provided, multiple submitters, no conflicts (2 of 4 stars). 5 submissions from 5 submitters: Benign (5). Last evaluated 2026-02-04.

Conditions:
Glucocorticoid deficiency 5. Identifiers: MedGen C4540522, MONDO:0040502, OMIM 617825.
Cardiovascular phenotype. Identifiers: MedGen CN230736.
Primary dilated cardiomyopathy (DCM). Also called: Dilated Cardiomyopathy. Identifiers: Orphanet 217604, MedGen C0007193, MeSH D002311, MONDO:0005021, HP:0001644. Inheritance: Various modes of inheritance.

Allele frequency attached by ClinVar (database versions not stated): ESP Exome Variant Server 0.45377; gnomAD 0.50192 and 0.51256; TOPMed 0.51221; gnomAD exomes 0.52315 and 0.57336; ExAC 0.56488; 1000 Genomes Project 30x 0.58760; 1000 Genomes Project 0.59685.
gnomAD v4.1: 814,039 of 1,557,060 alleles (52%); highest among the groups gnomAD compares: East Asian, 86%; 218,572 homozygotes.

Submissions (5):

Labcorp Genetics (formerly Invitae), Labcorp
Classification: Benign for Primary dilated cardiomyopathy. Last evaluated: 2026-02-04. Review status: criteria provided, single submitter. Criteria: Invitae Variant Classification Sherloc (09022015). Collection method: clinical testing. Allele origin: germline.

Genome-Nilou Lab
Classification: Benign for Glucocorticoid deficiency 5. Last evaluated: 2021-12-05. Review status: criteria provided, single submitter. Criteria: ACMG Guidelines, 2015. Collection method: clinical testing. Allele origin: germline. Affected: no.

GeneDx
Classification: Benign. Last evaluated: 2016-09-23. Review status: criteria provided, single submitter. Criteria: GeneDx Variant Classification (06012015). Collection method: clinical testing. Allele origin: germline. Affected: yes.
Comment: This variant is considered likely benign or benign based on one or more of the following criteria: it is a conservative change, it occurs at a poorly conserved position in the protein, it is predicted to be benign by multiple in silico algorithms, and/or has population frequency not consistent with disease.

Ambry Genetics
Classification: Benign for Cardiovascular phenotype. Last evaluated: 2015-03-11. Review status: criteria provided, single submitter. Criteria: Ambry Variant Classification Scheme 2023. Collection method: clinical testing. Allele origin: germline.

Breakthrough Genomics
Classification: Benign. Review status: criteria provided, single submitter. Criteria: ACMG Guidelines, 2015. Collection method: not provided. Allele origin: germline. Inheritance: Autosomal recessive inheritance. Affected: yes.

NM_006440.5(TXNRD2):c.177C>T (p.Ala59=)

Gene: TXNRD2 (thioredoxin reductase 2; minus strand). Cytogenetic location: 22q11.21.
Variant type: single nucleotide variant.
Coding change: c.177C>T on transcript NM_006440.5 (MANE Select); coding-DNA position 177, C replaced by T.
Protein change: p.Ala59=; no amino-acid change (alanine 59 retained).
Molecular consequence: synonymous variant. On other transcripts: 5 prime UTR variant (1).
Genome position (GRCh38, 1-based): chr22:19,919,595, G>A on the plus strand (C>T on the coding strand, the complement: TXNRD2 is on the minus strand). VCF-style: chr22-19919595-G-A. GRCh37 (hg19) VCF-style: chr22-19907118-G-A.
Other names: c.177C>T, p.Ala59= (NM_001282512.3); c.174C>T, p.Ala58= (NM_001352300.2); c.87C>T, p.Ala29= (NM_001352301.2); c.-112C>T (NM_001352302.2); c.81C>T, p.Ala27= (NM_001352303.2).
Identifiers: ClinVar variation 263370 (VCV000263370.16), dbSNP rs5748470, ClinGen allele CA10104310.
Genomic context (GRCh38, chr22:19,919,595, plus strand): 5'-CTGCCTACCTTGGGGAGAAGGTTCCACGTAGTCCACCACGGCCACCTTCCTTCCCAGCTG[G>A]GCGGCTGGAAGGATAAGGAGAGCAGCAGGTGAGCATGGGGAGCTGGCTCAGGACTCAAGA-3'
Protein context (NP_006431.2, residues 49-69): SGGLACAKEA[Ala59=]QLGRKVAVVD